The following is an entry in ClinVar:

ClinVar aggregate classification (germline): Uncertain significance (1 of 4 stars; one submission).

Conditions:
Inborn genetic diseases. Identifiers: MedGen C0950123, MeSH D030342.

Allele frequency attached by ClinVar (database versions not stated): TOPMed below 0.00001; gnomAD exomes 0.00001.

Submission:

Ambry Genetics
Classification: Uncertain significance for Inborn genetic diseases. Last evaluated: 2019-01-23. Review status: criteria provided, single submitter. Criteria: Ambry Variant Classification Scheme 2023. Collection method: clinical testing. Allele origin: germline.
Comment: The p.M404I variant (also known as c.1212G>A), located in coding exon 6 of the TBR1 gene, results from a G to A substitution at nucleotide position 1212. The methionine at codon 404 is replaced by isoleucine, an amino acid with highly similar properties. This amino acid position is not well conserved in available vertebrate species, and isoleucine is the reference amino acid in other vertebrate species. In addition, this alteration is predicted to be tolerated by in silico analysis. Since supporting evidence is limited at this time, the clinical significance of this alteration remains unclear.

NM_006593.4(TBR1):c.1212G>A (p.Met404Ile)

Gene: TBR1 (T-box brain transcription factor 1; plus strand). Cytogenetic location: 2q24.2.
Variant type: single nucleotide variant.
Coding change: c.1212G>A on transcript NM_006593.4 (MANE Select); coding-DNA position 1212, G replaced by A.
Protein change: p.Met404Ile; replaces methionine 404 with isoleucine.
Molecular consequence: missense variant.
Genome position (GRCh38, 1-based): chr2:161,423,390, G>A. VCF-style: chr2-161423390-G-A. GRCh37 (hg19) VCF-style: chr2-162279901-G-A.
Other names: short protein forms M404I.
Identifiers: ClinVar variation 1750777 (VCV001750777.2), dbSNP rs1190310817, ClinGen allele CA349213236.